The following is an entry in ClinVar:

ClinVar aggregate classification (germline): Uncertain significance (1 of 4 stars; one submission).

Conditions:
Cardiovascular phenotype. Identifiers: MedGen CN230736.

gnomAD v4.1: 2 of 1,211,258 alleles (0.00017%); highest among the groups gnomAD compares: South Asian, 0.0018%; no homozygotes.

Submission:

Ambry Genetics
Classification: Uncertain significance for Cardiovascular phenotype. Last evaluated: 2024-04-17. Review status: criteria provided, single submitter. Criteria: Ambry Variant Classification Scheme 2023. Collection method: clinical testing. Allele origin: germline.
Comment: The p.C221R variant (also known as c.661T>C), located in coding exon 4 of the FHL1 gene, results from a T to C substitution at nucleotide position 661. The cysteine at codon 221 is replaced by arginine, an amino acid with highly dissimilar properties. This variant has been detected in an individual from a hypertrophic cardiomyopathy genetic testing cohort; however, details were limited (Walsh R et al. Genet Med. 2017 Feb;19(2):192-203). This amino acid position is highly conserved in available vertebrate species. In addition, this alteration is predicted to be deleterious by in silico analysis. Based on data from gnomAD, the C allele has an overall frequency of 0.0005% (1/183489) total alleles studied, with 1 hemizygote(s) observed. The highest observed frequency was 0.0052% (1/19080) of South Asian alleles. Based on the available evidence, the clinical significance of this variant remains unclear.

Literature cited by the submitters: PubMed 27532257.

NM_001159699.2(FHL1):c.709T>C (p.Cys237Arg)

Gene: FHL1 (four and a half LIM domains 1; plus strand). Cytogenetic location: Xq26.3.
Variant type: single nucleotide variant.
Coding change: c.709T>C on transcript NM_001159699.2 (MANE Select); coding-DNA position 709, T replaced by C.
Protein change: p.Cys237Arg; replaces cysteine 237 with arginine.
Molecular consequence: missense variant. On other transcripts: non-coding transcript variant (1), intron variant (2).
Genome position (GRCh38, 1-based): chrX:136,208,614, T>C. VCF-style: chrX-136208614-T-C. GRCh37 (hg19) VCF-style: chrX-135290773-T-C.
Other names: c.661T>C, p.Cys221Arg (NM_001159700.2, NM_001159702.3, NM_001159704.1 and 8 more transcripts); c.748T>C, p.Cys250Arg (NM_001159701.2); c.501+653T>C (NM_001159703.2); c.549+653T>C (NM_001330659.2); short protein forms C250R, C237R, C221R.
Identifiers: ClinVar variation 3278820 (VCV003278820.1).